The following is an entry in ClinVar:

ClinVar aggregate classification (germline): Uncertain significance. Review status: criteria provided, single submitter (1 of 4 stars). 2 submissions from 2 submitters: Uncertain significance (1). 1 of the submissions does not count toward it. Last evaluated 2021-08-24.

Conditions:
Leber congenital amaurosis 5 (LCA5). Also called: Amaurosis congenita of Leber, type 5. Identifiers: Orphanet 65, MedGen C1858301, MONDO:0011473, OMIM 604537.

Allele frequency attached by ClinVar (database versions not stated): gnomAD exomes below 0.00001 and 0.00001.

Submissions (2):

Labcorp Genetics (formerly Invitae), Labcorp
Classification: Uncertain significance. Last evaluated: 2021-08-24. Review status: criteria provided, single submitter. Criteria: Invitae Variant Classification Sherloc (09022015). Collection method: clinical testing. Allele origin: germline.
Comment: This sequence change replaces threonine with isoleucine at codon 508 of the LCA5 protein (p.Thr508Ile). The threonine residue is weakly conserved and there is a moderate physicochemical difference between threonine and isoleucine. This variant is not present in population databases (ExAC no frequency). This variant has not been reported in the literature in individuals affected with LCA5-related conditions. Algorithms developed to predict the effect of missense changes on protein structure and function (SIFT, PolyPhen-2, Align-GVGD) all suggest that this variant is likely to be tolerated. In summary, the available evidence is currently insufficient to determine the role of this variant in disease. Therefore, it has been classified as a Variant of Uncertain Significance.

Natera, Inc.
Classification: Uncertain significance for Leber congenital amaurosis type 5. Last evaluated: 2021-03-20. Review status: no assertion criteria provided. Collection method: clinical testing. Allele origin: germline. Not counted in ClinVar's aggregate classification.

NM_001122769.3(LCA5):c.1523C>T (p.Thr508Ile)

Gene: LCA5 (lebercilin LCA5; minus strand). Cytogenetic location: 6q14.1.
Variant type: single nucleotide variant.
Coding change: c.1523C>T on transcript NM_001122769.3 (MANE Select); coding-DNA position 1523, C replaced by T.
Protein change: p.Thr508Ile; replaces threonine 508 with isoleucine.
Molecular consequence: missense variant.
Genome position (GRCh38, 1-based): chr6:79,487,575, G>A on the plus strand (C>T on the coding strand, the complement: LCA5 is on the minus strand). VCF-style: chr6-79487575-G-A. GRCh37 (hg19) VCF-style: chr6-80197292-G-A.
Other names: c.1523C>T, p.Thr508Ile (NM_181714.4); short protein forms T508I.
Identifiers: ClinVar variation 1005360 (VCV001005360.7), dbSNP rs1189990227, ClinGen allele CA364640329.